The following is an entry in ClinVar:

NM_001375524.1(TRRAP):c.11088G>A (p.Ala3696=)

Gene: TRRAP (transformation/transcription domain associated protein; plus strand). Cytogenetic location: 7q22.1.
Variant type: single nucleotide variant.
Coding change: c.11088G>A on transcript NM_001375524.1 (MANE Select); coding-DNA position 11088, G replaced by A.
Protein change: p.Ala3696=; no amino-acid change (alanine 3696 retained).
Molecular consequence: synonymous variant.
Genome position (GRCh38, 1-based): chr7:99,011,201, G>A. VCF-style: chr7-99011201-G-A. GRCh37 (hg19) VCF-style: chr7-98608824-G-A.
Other names: c.11046G>A, p.Ala3682= (NM_001244580.2); c.10959G>A, p.Ala3653= (NM_003496.4); c.10959G>A (NM_003496.3).
Identifiers: ClinVar variation 2919825 (VCV002919825.6), dbSNP rs200919131, ClinGen allele CA4362082.

ClinVar aggregate classification (germline): Benign/Likely benign. Review status: criteria provided, multiple submitters, no conflicts (2 of 4 stars). 3 submissions from 3 submitters: Benign (1); Likely benign (1). 1 of the submissions does not count toward it. Last evaluated 2025-01-01.

Conditions:
TRRAP-related disorder. Also called: TRRAP-related condition.

Allele frequency attached by ClinVar (database versions not stated): gnomAD exomes 0.00007; ESP Exome Variant Server 0.00008; TOPMed 0.00011; ExAC 0.00013; gnomAD 0.00013; 1000 Genomes Project 30x 0.00031; 1000 Genomes Project 0.00040.
gnomAD v4.1: 134 of 1,614,086 alleles (0.0083%); highest among the groups gnomAD compares: East Asian, 0.13%; 1 homozygote.

Submissions (3):

Labcorp Genetics (formerly Invitae), Labcorp
Classification: Benign. Last evaluated: 2025-01-01. Review status: criteria provided, single submitter. Criteria: Invitae Variant Classification Sherloc (09022015). Collection method: clinical testing. Allele origin: germline.

Blueprint Genetics
Classification: Likely benign. Last evaluated: 2024-04-09. Review status: criteria provided, single submitter. Criteria: ACMG Guidelines, 2015. Collection method: clinical testing. Allele origin: germline.

PreventionGenetics, part of Exact Sciences
Classification: Likely benign for TRRAP-related condition. Last evaluated: 2019-06-17. Review status: no assertion criteria provided. Collection method: clinical testing. Allele origin: germline. Not counted in ClinVar's aggregate classification.
Comment: This variant is classified as likely benign based on ACMG/AMP sequence variant interpretation guidelines (Richards et al. 2015 PMID: 25741868, with internal and published modifications).